The following is an entry in ClinVar:

NM_015378.4(VPS13D):c.844C>T (p.Gln282Ter)

Gene: VPS13D (vacuolar protein sorting 13 homolog D; plus strand). Cytogenetic location: 1p36.22.
Variant type: single nucleotide variant.
Coding change: c.844C>T on transcript NM_015378.4 (MANE Select); coding-DNA position 844, C replaced by T.
Protein change: p.Gln282Ter; replaces glutamine 282 with a stop codon.
Molecular consequence: nonsense.
Genome position (GRCh38, 1-based): chr1:12,256,990, C>T. VCF-style: chr1-12256990-C-T. GRCh37 (hg19) VCF-style: chr1-12317047-C-T.
Other names: c.844C>T, p.Gln282Ter (NM_018156.4); short protein forms Q282*.
Identifiers: ClinVar variation 2028769 (VCV002028769.4), dbSNP rs2523923494, ClinGen allele CA338457941.
Genomic context (GRCh38, chr1:12,256,990, plus strand): 5'-CTGAGTAAAAGAAACAAACCTATTCTAACCTAGTATCTCTTAACCTCTAATACAAAGCTG[C>T]AATACCGGCAAATCATGGAATTCCTCAAGGAGCTGGAACGAAAGGAGAGGCAGGTGAAGT-3'

ClinVar aggregate classification (germline): Pathogenic (1 of 4 stars; one submission).

Submission:

Labcorp Genetics (formerly Invitae), Labcorp
Classification: Pathogenic. Last evaluated: 2022-09-03. Review status: criteria provided, single submitter. Criteria: Invitae Variant Classification Sherloc (09022015). Collection method: clinical testing. Allele origin: germline.
Comment: For these reasons, this variant has been classified as Pathogenic. This variant has not been reported in the literature in individuals affected with VPS13D-related conditions. This variant is not present in population databases (gnomAD no frequency). This sequence change creates a premature translational stop signal (p.Gln282*) in the VPS13D gene. It is expected to result in an absent or disrupted protein product. Loss-of-function variants in VPS13D are known to be pathogenic (PMID: 29518281).

Literature cited by the submitters: PubMed 29518281.